The following is an entry in ClinVar:

NM_001366145.2(TRPM3):c.3004G>C (p.Val1002Leu)

Gene: TRPM3 (transient receptor potential cation channel subfamily M member 3; minus strand). Cytogenetic location: 9q21.12.
Variant type: single nucleotide variant.
Coding change: c.3004G>C on transcript NM_001366145.2 (MANE Select); coding-DNA position 3004, G replaced by C.
Protein change: p.Val1002Leu; replaces valine 1002 with leucine.
Molecular consequence: missense variant.
Genome position (GRCh38, 1-based): chr9:70,598,463, C>G on the plus strand (G>C on the coding strand, the complement: TRPM3 is on the minus strand). VCF-style: chr9-70598463-C-G. GRCh37 (hg19) VCF-style: chr9-73213379-C-G.
Other names: c.2968G>C, p.Val990Leu (NM_001007471.4, NM_001366151.2); c.2974G>C, p.Val992Leu (NM_001366141.2, NM_001366143.2, NM_001366149.2); c.3010G>C, p.Val1004Leu (NM_001366142.2); c.2479G>C, p.Val827Leu (NM_206944.5); c.2515G>C, p.Val839Leu (NM_206945.5); c.2584G>C, p.Val862Leu (NM_206946.5); c.2554G>C, p.Val852Leu (NM_206947.5); c.3004G>C, p.Val1002Leu (NM_001366146.2); and 5 more; short protein forms V1002L, V1004L, V1017L, V1027L, V827L, V837L, V839L, V849L.
Identifiers: ClinVar variation 4855789 (VCV004855789.2).

ClinVar aggregate classification (germline): Pathogenic/Likely pathogenic. Review status: criteria provided, multiple submitters, no conflicts (2 of 4 stars). 2 submissions from 2 submitters: Pathogenic (1); Likely pathogenic (1). Last evaluated 2026-02-24.

Conditions:
Neurodevelopmental disorder with hypotonia, dysmorphic facies, and skeletal anomalies, with or without seizures (NEDFSS). Also called: TRPM3-Related Neurodevelopmental Disorder. Identifiers: MedGen C5830244, MONDO:0859365, OMIM 620224.

Submissions (2):

Victorian Clinical Genetics Services, Murdoch Childrens Research Institute
Classification: Pathogenic for Neurodevelopmental disorder with hypotonia, dysmorphic facies, and skeletal anomalies, with or without seizures. Last evaluated: 2026-02-24. Review status: criteria provided, single submitter. Criteria: ACMG Guidelines, 2015. Collection method: clinical testing. Allele origin: germline. Affected: yes.
Comment: This variant is classified as Pathogenic. Evidence in support of pathogenic classification: Variant is absent from gnomAD (v2, v3 and v4); This variant has moderate previous evidence of pathogenicity in unrelated individuals. An alternative nucleotide change resulting in the same amino acid change has been reported once as de novo in an individual with TRPM3-related features (PMID: 36648066); Other missense variant(s) comparable to the one identified in this case have very strong previous evidence for pathogenicity. p.(Val1002Met) has been classified as pathogenic by many clinical laboratories (ClinVar), and p.(Val1002Gly) has been reported in at least one de novo individual affected with neurodevelopmental disorder and hypotonia (PMID: 36648066); Missense variant predicted to be damaging by in silico tool(s) or highly conserved with a major amino acid change; Additional information: Variant is predicted to result in a missense amino acid change from Val to Leu; This variant is heterozygous; This gene is associated with autosomal dominant disease; No published evidence of segregation with disease has been identified for this variant; Gain of function is a known mechanism of disease in this gene and is associated with neurodevelopmental disorder with hypotonia, dysmorphic facies, and skeletal anomalies, with or without seizures (MIM# 620224). Missense variants have been functionally proven to increase basal function and intracellular calcium levels (PMID: 32427099). Gain of function has also been suggested as the mechanism for cataract 50 with or without glaucoma (MIM#620253); Variants in this gene are known to have variable expressivity. Variable phenotype, including inheritance from mildly affected parents, has been described (OMIM, PMID: 36648066).

3billion
Classification: Likely pathogenic for Neurodevelopmental disorder with hypotonia, dysmorphic facies, and skeletal anomalies, with or without seizures. Last evaluated: 2025-06-26. Review status: criteria provided, single submitter. Criteria: ACMG Guidelines, 2015. Collection method: clinical testing. Allele origin: germline. Affected: yes.
Comment: The variant is not observed in the gnomAD v4.1.0 dataset. Predicted Consequence/Location: Missense variant. Missense changes are a common disease-causing mechanism. In silico tool predictions suggest damaging effect of the variant on gene or gene product [REVEL: 0.73 (>=0.6, sensitivity 0.68 and specificity 0.92); 3Cnet: 0.99 (> 0.75, sensitivity 0.96 and precision 0.92)]. The different nucleotide change resulting in the same amino acid change has been previously reported to be associated with TRPM3-related disorder(PMID: 36648066).Different missense changes at the same codon (p.Val1002Gly, p.Val1002Met) have been reported as pathogenic/likely pathogenic with strong evidence (ClinVar ID: VCV000585073 /PMID: 31278393, 36648066). Therefore, this variant is classified as Likely pathogenic according to the recommendation of ACMG/AMP guideline.

Literature cited by the submitters: PubMed 32427099 (cited by Victorian Clinical Genetics Services, Murdoch Childrens Research Institute); PubMed 36648066 (cited by Victorian Clinical Genetics Services, Murdoch Childrens Research Institute and 3billion); PubMed 31278393 (cited by 3billion).